The following is an entry in ClinVar:

NM_002474.3(MYH11):c.4662G>A (p.Glu1554=)

Genes: MYH11 (myosin heavy chain 11; minus strand), NDE1 (nudE neurodevelopment protein 1; plus strand). Cytogenetic location: 16p13.11.
Variant type: single nucleotide variant.
Coding change: c.4662G>A on transcript NM_002474.3 (MANE Select); coding-DNA position 4662, G replaced by A.
Protein change: p.Glu1554=; no amino-acid change (glutamic acid 1554 retained).
Molecular consequence: synonymous variant. On other transcripts: intron variant (2).
Genome position (GRCh38, 1-based): chr16:15,720,968, C>T on the plus strand (G>A on the coding strand, the complement: MYH11 is on the minus strand). VCF-style: chr16-15720968-C-T. GRCh37 (hg19) VCF-style: chr16-15814825-C-T.
Other names: c.4683G>A, p.Glu1561= (NM_001040113.2, NM_001040114.2); c.4662G>A, p.Glu1554= (NM_022844.3); c.948-3223C>T (NM_001143979.2, NM_017668.3).
Identifiers: ClinVar variation 413421 (VCV000413421.19), dbSNP rs747434041, ClinGen allele CA7921593.

ClinVar aggregate classification (germline): Likely benign. Review status: criteria provided, multiple submitters, no conflicts (2 of 4 stars). 6 submissions from 6 submitters: Likely benign (6). Last evaluated 2025-06-04.

Conditions:
Familial thoracic aortic aneurysm and aortic dissection (TAAD). Also called: Thoracic aortic aneurysms and dissections. Identifiers: Orphanet 91387, MedGen C4707243, MONDO:0019625.
Aortic aneurysm, familial thoracic 4 (AAT4). Also called: AORTIC ANEURYSM/AORTIC DISSECTION AND PATENT DUCTUS ARTERIOSUS. Identifiers: MedGen C1851504, MONDO:0007568, OMIM 132900.

Allele frequency attached by ClinVar (database versions not stated): ExAC 0.00001; gnomAD 0.00001; gnomAD exomes 0.00001 and 0.00002; TOPMed 0.00001.
gnomAD v4.1: 35 of 1,613,976 alleles (0.0022%); highest among the groups gnomAD compares: Non-Finnish European, 0.0028%; no homozygotes.

Submissions (6):

Labcorp Genetics (formerly Invitae), Labcorp
Classification: Likely benign for Aortic aneurysm, familial thoracic 4. Last evaluated: 2025-06-04. Review status: criteria provided, single submitter. Criteria: Invitae Variant Classification Sherloc (09022015). Collection method: clinical testing. Allele origin: germline.

Ambry Genetics
Classification: Likely benign for Familial thoracic aortic aneurysm and aortic dissection. Last evaluated: 2025-01-21. Review status: criteria provided, single submitter. Criteria: Ambry Variant Classification Scheme 2023. Collection method: clinical testing. Allele origin: germline.

All of Us Research Program, National Institutes of Health
Classification: Likely benign for Familial thoracic aortic aneurysm and aortic dissection. Last evaluated: 2023-11-20. Review status: criteria provided, single submitter. Criteria: ACMG Guidelines, 2015. Collection method: clinical testing. Allele origin: germline. Inheritance: Autosomal dominant inheritance. Observed: 3 variant alleles, 3 heterozygotes.
Comment: This study involves interpretation of variants in research participants for the purpose of population health screening. Participant phenotype was not available at the time of variant classification. Additional details can be found in publication PMID: 35346344, PMCID: PMC8962531

Color Diagnostics, LLC DBA Color Health
Classification: Likely benign for Familial thoracic aortic aneurysm and aortic dissection. Last evaluated: 2022-11-06. Review status: criteria provided, single submitter. Criteria: ACMG Guidelines, 2015. Collection method: clinical testing. Allele origin: germline.

CHEO Genetics Diagnostic Laboratory, Children's Hospital of Eastern Ontario
Classification: Likely benign for Familial thoracic aortic aneurysm and aortic dissection. Last evaluated: 2022-07-26. Review status: criteria provided, single submitter. Criteria: ACMG Guidelines, 2015. Collection method: clinical testing. Allele origin: germline.

GeneDx
Classification: Likely benign. Last evaluated: 2019-09-10. Review status: criteria provided, single submitter. Criteria: GeneDx Variant Classification Process June 2021. Collection method: clinical testing. Allele origin: germline. Affected: yes.